The following is an entry in ClinVar:

NM_018979.4(WNK1):c.5418A>G (p.Pro1806=)

Gene: WNK1 (WNK lysine deficient protein kinase 1; plus strand). Cytogenetic location: 12p13.33.
Variant type: single nucleotide variant.
Coding change: c.5418A>G on transcript NM_018979.4 (MANE Select); coding-DNA position 5418, A replaced by G.
Protein change: p.Pro1806=; no amino-acid change (proline 1806 retained).
Molecular consequence: synonymous variant.
Genome position (GRCh38, 1-based): chr12:889,193, A>G. VCF-style: chr12-889193-A-G. GRCh37 (hg19) VCF-style: chr12-998359-A-G.
Other names: p.Pro2058=; c.6198A>G, p.Pro2066= (NM_001184985.2); c.4677A>G, p.Pro1559= (NM_014823.3); c.6174A>G, p.Pro2058= (NM_213655.5).
Identifiers: ClinVar variation 471197 (VCV000471197.15), dbSNP rs56245971, ClinGen allele CA6383166.

ClinVar aggregate classification (germline): Likely benign. Review status: criteria provided, multiple submitters, no conflicts (2 of 4 stars). 5 submissions from 5 submitters: Likely benign (5). Last evaluated 2026-02-25.

Conditions:
WNK1-related disorder. Also called: WNK1-related condition.
Neuropathy, hereditary sensory and autonomic, type 2A (HSAN2A). Also called: HSAN IIA; ACROOSTEOLYSIS, GIACCAI TYPE; ACROOSTEOLYSIS, NEUROGENIC; MORVAN DISEASE; NEUROPATHY, CONGENITAL SENSORY; NEUROPATHY, HEREDITARY SENSORY RADICULAR, AUTOSOMAL RECESSIVE. Identifiers: Orphanet 970, MedGen C2752089, MONDO:0024309, OMIM 201300.
Pseudohypoaldosteronism type 2C (PHA2C). Also called: Pseudohypoaldosteronism Type IIC. Identifiers: Orphanet 757, Orphanet 88940, MedGen C1840391, MONDO:0013778, OMIM 614492.

Allele frequency attached by ClinVar (database versions not stated): ExAC 0.00005; gnomAD exomes 0.00007; gnomAD 0.00009; ESP Exome Variant Server 0.00015; TOPMed 0.00015.
gnomAD v4.1: 227 of 1,613,990 alleles (0.014%); highest among the groups gnomAD compares: Non-Finnish European, 0.018%; no homozygotes.

Submissions (5):

PreventionGenetics, part of Exact Sciences
Classification: Likely benign for WNK1-related condition. Last evaluated: 2026-02-25. Review status: criteria provided, single submitter. Criteria: ACMG Guidelines, 2015. Collection method: clinical testing. Allele origin: germline.
Comment: This variant is classified as likely benign based on ACMG/AMP sequence variant interpretation guidelines (Richards et al. 2015 PMID: 25741868, with internal and published modifications).

Labcorp Genetics (formerly Invitae), Labcorp
Classification: Likely benign for Neuropathy, hereditary sensory and autonomic, type 2A; Pseudohypoaldosteronism type 2C. Last evaluated: 2025-12-29. Review status: criteria provided, single submitter. Criteria: Invitae Variant Classification Sherloc (09022015). Collection method: clinical testing. Allele origin: germline.

Mayo Clinic Laboratories, Mayo Clinic
Classification: Likely benign. Last evaluated: 2025-04-21. Review status: criteria provided, single submitter. Criteria: ACMG Guidelines, 2015. Collection method: clinical testing. Allele origin: germline. Observed: 3 variant alleles.
Comment: BP4, BP7

ARUP Laboratories, Molecular Genetics and Genomics, ARUP Laboratories
Classification: Likely benign. Last evaluated: 2023-06-29. Review status: criteria provided, single submitter. Criteria: ARUP Molecular Germline Variant Investigation Process 2024. Collection method: clinical testing. Allele origin: germline.

Fulgent Genetics
Classification: Likely benign for Neuropathy, hereditary sensory and autonomic, type 2A; Pseudohypoaldosteronism type 2C. Last evaluated: 2022-02-04. Review status: criteria provided, single submitter. Criteria: ACMG Guidelines, 2015. Collection method: clinical testing. Allele origin: unknown.